The following is an entry in ClinVar:

ClinVar aggregate classification (germline): Likely benign. Review status: criteria provided, single submitter (1 of 4 stars). 2 submissions from 2 submitters: Likely benign (1). 1 of the submissions does not count toward it. Last evaluated 2023-03-23.

Conditions:
Breast-ovarian cancer, familial, susceptibility to, 2 (BROVCA2). Also called: BRCA2 Hereditary Breast and Ovarian Cancer. Identifiers: Orphanet 145, MedGen C2675520, MONDO:0012933, OMIM 612555. Disease mechanism: loss of function.
Hereditary cancer-predisposing syndrome. Also called: Neoplastic Syndromes, Hereditary; Tumor predisposition; Hereditary Cancer Syndrome; Hereditary neoplastic syndrome. Identifiers: Orphanet 140162, MedGen C0027672, MeSH D009386, MONDO:0015356.

Submissions (2):

University of Washington Department of Laboratory Medicine, University of Washington
Classification: Likely benign for Hereditary cancer-predisposing syndrome. Last evaluated: 2023-03-23. Review status: criteria provided, single submitter. Criteria: Dines et al. (Genet Med. 2020). Collection method: curation. Allele origin: germline.
Comment: Missense variant in a coldspot region where missense variants are very unlikely to be pathogenic (PMID:31911673).

BRCA2 exon 10 coldspot. Reclassification based on statistical prior probability.

Breast Cancer Information Core (BIC) (BRCA2)
Classification: Uncertain significance for Breast-ovarian cancer, familial 2. Last evaluated: 2002-06-20. Review status: no assertion criteria provided. Collection method: clinical testing. Allele origin: germline. Affected: yes. Observed: 1 variant allele. Not counted in ClinVar's aggregate classification.

NM_000059.4(BRCA2):c.1678A>G (p.Asn560Asp)

Gene: BRCA2 (BRCA2 DNA repair associated; plus strand). Cytogenetic location: 13q13.1.
Variant type: single nucleotide variant.
Coding change: c.1678A>G on transcript NM_000059.4 (MANE Select); coding-DNA position 1678, A replaced by G.
Protein change: p.Asn560Asp; replaces asparagine 560 with aspartic acid.
Molecular consequence: missense variant.
Genome position (GRCh38, 1-based): chr13:32,333,156, A>G. VCF-style: chr13-32333156-A-G. GRCh37 (hg19) VCF-style: chr13-32907293-A-G.
Other names: short protein forms N560D.
Identifiers: ClinVar variation 51173 (VCV000051173.4), dbSNP rs80358453, ClinGen allele CA012884.